The following is an entry in ClinVar:

NM_004168.4(SDHA):c.1494_1516del (p.Lys498fs)

Gene: SDHA (succinate dehydrogenase complex flavoprotein subunit A; plus strand). Cytogenetic location: 5p15.33.
Variant type: Deletion.
Coding change: c.1494_1516del on transcript NM_004168.4 (MANE Select); coding-DNA positions 1494 to 1516, 23 bases deleted (ATTGAGATTTGCTGATGGAAGCA).
Protein change: p.Lys498fs; shifts the reading frame from lysine 498.
Molecular consequence: frameshift variant.
Genome position (GRCh38, 1-based): chr5:240,419-240,441, ATTGAGATTTGCTGATGGAAGCA deleted; deleting any 23 consecutive bases within chr5:240,418-240,441 gives the same sequence; the c. name uses the placement nearest the transcript's 3' end. VCF-style (leftmost placement, unchanged base first): chr5-240417-AAATTGAGATTTGCTGATGGAAGC-A. GRCh37 (hg19) VCF-style: chr5-240532-AAATTGAGATTTGCTGATGGAAGC-A.
Other names: c.1350_1372del, p.Lys450fs (NM_001294332.2); c.1494_1516del, p.Lys498fs (NM_001330758.2); short protein forms K450fs, K498fs.
Identifiers: ClinVar variation 1773839 (VCV001773839.7), dbSNP rs2477398047, ClinGen allele CA2580073094.

ClinVar aggregate classification (germline): Pathogenic. Review status: criteria provided, multiple submitters, no conflicts (2 of 4 stars). 2 submissions from 2 submitters: Pathogenic (2). Last evaluated 2022-06-18.

Conditions:
Mitochondrial complex II deficiency, nuclear type 1. Also called: SUCCINATE CoQ REDUCTASE DEFICIENCY. Identifiers: Orphanet 3208, MedGen C5700310, MONDO:0100294, OMIM 252011.
Pheochromocytoma/paraganglioma syndrome 5. Also called: Paragangliomas 5; SDHA-Related Hereditary Paraganglioma-Pheochromocytoma Syndrome. Identifiers: Orphanet 29072, MedGen C3279992, MONDO:0013602, OMIM 614165.
Hereditary cancer-predisposing syndrome. Also called: Tumor predisposition; Hereditary Cancer Syndrome; Hereditary neoplastic syndrome; Neoplastic Syndromes, Hereditary. Identifiers: Orphanet 140162, MedGen C0027672, MeSH D009386, MONDO:0015356.

Submissions (2):

Labcorp Genetics (formerly Invitae), Labcorp
Classification: Pathogenic for Pheochromocytoma/paraganglioma syndrome 5; Mitochondrial complex II deficiency, nuclear type 1. Last evaluated: 2022-06-18. Review status: criteria provided, single submitter. Criteria: Invitae Variant Classification Sherloc (09022015). Collection method: clinical testing. Allele origin: germline.
Comment: For these reasons, this variant has been classified as Pathogenic. This variant has not been reported in the literature in individuals affected with SDHA-related conditions. This variant is not present in population databases (gnomAD no frequency). This sequence change creates a premature translational stop signal (p.Lys498Asnfs*97) in the SDHA gene. It is expected to result in an absent or disrupted protein product. Loss-of-function variants in SDHA are known to be pathogenic (PMID: 22974104, 24781757).

Ambry Genetics
Classification: Pathogenic for Hereditary cancer-predisposing syndrome. Last evaluated: 2022-02-01. Review status: criteria provided, single submitter. Criteria: Ambry Variant Classification Scheme 2023. Collection method: clinical testing. Allele origin: germline.
Comment: The c.1494_1516del23 variant, located in coding exon 11 of the SDHA gene, results from a deletion of 23 nucleotides at nucleotide positions 1494 to 1516, causing a translational frameshift with a predicted alternate stop codon (p.K498Nfs*97). This variant is considered to be rare based on population cohorts in the Genome Aggregation Database (gnomAD). This alteration is expected to result in loss of function by premature protein truncation or nonsense-mediated mRNA decay. As such, this alteration is interpreted as a disease-causing mutation.

Literature cited by the submitters: PubMed 22974104 (cited by Labcorp Genetics (formerly Invitae), Labcorp); PubMed 24781757 (cited by Labcorp Genetics (formerly Invitae), Labcorp).